The following is an entry in ClinVar:

NM_182641.4(BPTF):c.859C>T (p.His287Tyr)

Gene: BPTF (bromodomain PHD finger transcription factor; plus strand). Cytogenetic location: 17q24.2.
Variant type: single nucleotide variant.
Coding change: c.859C>T on transcript NM_182641.4 (MANE Select); coding-DNA position 859, C replaced by T.
Protein change: p.His287Tyr; replaces histidine 287 with tyrosine.
Molecular consequence: missense variant.
Genome position (GRCh38, 1-based): chr17:67,854,185, C>T. VCF-style: chr17-67854185-C-T. GRCh37 (hg19) VCF-style: chr17-65850301-C-T.
Other names: c.859C>T, p.His287Tyr (NM_004459.7); short protein forms H287Y.
Identifiers: ClinVar variation 2692482 (VCV002692482.1), dbSNP rs2510093467, ClinGen allele CA400720117.

ClinVar aggregate classification (germline): Uncertain significance (1 of 4 stars; one submission).

Submission:

Greenwood Genetic Center Diagnostic Laboratories, Greenwood Genetic Center
Classification: Uncertain significance. Last evaluated: 2023-12-01. Review status: criteria provided, single submitter. Criteria: ACMG Guidelines, 2015. Collection method: clinical testing. Allele origin: germline. Affected: yes.
Comment: PM2, PP2, PP3